The following is an entry in ClinVar:

ClinVar aggregate classification (germline): Uncertain significance (1 of 4 stars; one submission).

Conditions:
Idiopathic generalized epilepsy. Also called: Generalised epilepsy; EIG. Identifiers: MedGen C0270850, MONDO:0005579, OMIM 600669.
Hyperaldosteronism, familial, type IV (HALD4). Also called: FH IV; ALDOSTERONISM, PRIMARY, AND HYPERTENSION. Identifiers: Orphanet 642671, MedGen C4310756, MONDO:0014875, OMIM 617027.

gnomAD v4.1: 6 of 1,610,646 alleles (0.00037%); highest among the groups gnomAD compares: Admixed American, 0.0017%; no homozygotes.

Submission:

Labcorp Genetics (formerly Invitae), Labcorp
Classification: Uncertain significance for Idiopathic generalized epilepsy; Hyperaldosteronism, familial, type IV. Last evaluated: 2023-11-19. Review status: criteria provided, single submitter. Criteria: Invitae Variant Classification Sherloc (09022015). Collection method: clinical testing. Allele origin: germline.
Comment: This sequence change falls in intron 29 of the CACNA1H gene. It does not directly change the encoded amino acid sequence of the CACNA1H protein. The frequency data for this variant in the population databases is considered unreliable, as metrics indicate poor data quality at this position in the gnomAD database. This variant has not been reported in the literature in individuals affected with CACNA1H-related conditions. ClinVar contains an entry for this variant (Variation ID: 1464303). Algorithms developed to predict the effect of sequence changes on RNA splicing suggest that this variant may disrupt the consensus splice site. In summary, the available evidence is currently insufficient to determine the role of this variant in disease. Therefore, it has been classified as a Variant of Uncertain Significance.

NM_021098.3(CACNA1H):c.5174-8G>A

Gene: CACNA1H (calcium voltage-gated channel subunit alpha1 H; plus strand). Cytogenetic location: 16p13.3.
Variant type: single nucleotide variant.
Coding change: c.5174-8G>A on transcript NM_021098.3 (MANE Select); 8 bases into the intron before coding-DNA position 5174, G replaced by A.
Molecular consequence: intron variant.
Genome position (GRCh38, 1-based): chr16:1,215,515, G>A. VCF-style: chr16-1215515-G-A. GRCh37 (hg19) VCF-style: chr16-1265515-G-A.
Other names: c.5156-8G>A (NM_001005407.2).
Identifiers: ClinVar variation 1464303 (VCV001464303.8), dbSNP rs200481928, ClinGen allele CA7801861.
Genomic context (GRCh38, chr16:1,215,515, plus strand): 5'-GCGGCCAGGGTCCCCGCGCAGCAGGGAGGGTCCGCCCAGCCCTGCTGACGCTCAGCTCCC[G>A]GCCCTAGTGCTGAAGCTGCTGAAGATGGCTACGGGCATGCGCGCCCTGCTGGACACTGTG-3'